The following is an entry in ClinVar:

ClinVar aggregate classification (germline): Uncertain significance (1 of 4 stars; one submission).

Conditions:
Inborn genetic diseases. Identifiers: MedGen C0950123, MeSH D030342.

Submission:

Ambry Genetics
Classification: Uncertain significance for Inborn genetic diseases. Last evaluated: 2022-12-09. Review status: criteria provided, single submitter. Criteria: Ambry Variant Classification Scheme 2023. Collection method: clinical testing. Allele origin: germline.
Comment: The p.H1251Q variant (also known as c.3753T>A), located in coding exon 27 of the LRRK2 gene, results from a T to A substitution at nucleotide position 3753. The histidine at codon 1251 is replaced by glutamine, an amino acid with highly similar properties. This amino acid position is conserved. In addition, the in silico prediction for this alteration is inconclusive. Since supporting evidence is limited at this time, the clinical significance of this alteration remains unclear.

NM_198578.4(LRRK2):c.3753T>A (p.His1251Gln)

Gene: LRRK2 (leucine rich repeat kinase 2; plus strand). Cytogenetic location: 12q12.
Variant type: single nucleotide variant.
Coding change: c.3753T>A on transcript NM_198578.4 (MANE Select); coding-DNA position 3753, T replaced by A.
Protein change: p.His1251Gln; replaces histidine 1251 with glutamine.
Molecular consequence: missense variant.
Genome position (GRCh38, 1-based): chr12:40,304,110, T>A. VCF-style: chr12-40304110-T-A. GRCh37 (hg19) VCF-style: chr12-40697912-T-A.
Other names: short protein forms H1251Q.
Identifiers: ClinVar variation 2453042 (VCV002453042.2), dbSNP rs2499782427, ClinGen allele CA384416882.
Genomic context (GRCh38, chr12:40,304,110, plus strand): 5'-GATCAGCATCTTGGACTTGAGTGAAAAAGCATATTTATGGTCTAGAGTAGAGAAACTGCA[T>A]CTTTCTCACAATAAACTGAAAGAGGTAAGACGATTATTGCCACTTAAAAAATATACTTTA-3'
Protein context (NP_940980.4, residues 1241-1261): AYLWSRVEKL[His1251Gln]LSHNKLKEIP